The following is an entry in ClinVar:

NM_015627.3(LDLRAP1):c.207del (p.Ala70fs)

Gene: LDLRAP1 (low density lipoprotein receptor adaptor protein 1; plus strand). Cytogenetic location: 1p36.11.
Variant type: Deletion.
Coding change: c.207del on transcript NM_015627.3 (MANE Select); coding-DNA position 207, one base deleted (C; older notation c.207delC).
Protein change: p.Ala70fs; shifts the reading frame from alanine 70.
Molecular consequence: frameshift variant.
Genome position (GRCh38, 1-based): chr1:25,554,040, C deleted; the last of 2 consecutive C bases (chr1:25,554,039-25,554,040); deleting either gives the same sequence. VCF-style (leftmost placement, unchanged base first): chr1-25554038-GC-G. GRCh37 (hg19) VCF-style: chr1-25880529-GC-G.
Other names: short protein forms A70fs.
Identifiers: ClinVar variation 3720184 (VCV003720184.2).

ClinVar aggregate classification (germline): Pathogenic (1 of 4 stars; one submission).

Conditions:
Hypercholesterolemia, familial, 4 (FHCL4). Also called: HYPERCHOLESTEROLEMIA, AUTOSOMAL RECESSIVE, 1; HYPERCHOLESTEROLEMIA, AUTOSOMAL RECESSIVE, 2. Identifiers: Orphanet 391665, MedGen C1863512, MONDO:0011374, OMIM 603813.

Submission:

Labcorp Genetics (formerly Invitae), Labcorp
Classification: Pathogenic for Hypercholesterolemia, familial, 4. Last evaluated: 2024-04-12. Review status: criteria provided, single submitter. Criteria: Invitae Variant Classification Sherloc (09022015). Collection method: clinical testing. Allele origin: germline.
Comment: This sequence change creates a premature translational stop signal (p.Ala70Profs*19) in the LDLRAP1 gene. It is expected to result in an absent or disrupted protein product. Loss-of-function variants in LDLRAP1 are known to be pathogenic (PMID: 11326085, 12464675). This variant is not present in population databases (gnomAD no frequency). This premature translational stop signal has been observed in individual(s) with familial hypercholesterolemia (PMID: 27784735, 29245109). Algorithms developed to predict the effect of sequence changes on RNA splicing suggest that this variant may disrupt the consensus splice site. For these reasons, this variant has been classified as Pathogenic.

Literature cited by the submitters: PubMed 11326085; PubMed 12464675; PubMed 27784735; PubMed 29245109.